The following is an entry in ClinVar:

NM_001042492.3(NF1):c.514G>A (p.Val172Ile)

Gene: NF1 (neurofibromin 1; plus strand). Cytogenetic location: 17q11.2.
Variant type: single nucleotide variant.
Coding change: c.514G>A on transcript NM_001042492.3 (MANE Select); coding-DNA position 514, G replaced by A.
Protein change: p.Val172Ile; replaces valine 172 with isoleucine.
Molecular consequence: missense variant.
Genome position (GRCh38, 1-based): chr17:31,169,925, G>A. VCF-style: chr17-31169925-G-A. GRCh37 (hg19) VCF-style: chr17-29496943-G-A.
Other names: c.514G>A, p.Val172Ile (NM_000267.4, NM_001128147.3); short protein forms V172I.
Identifiers: ClinVar variation 527432 (VCV000527432.6), dbSNP rs1555607083, ClinGen allele CA398984983.

ClinVar aggregate classification (germline): Uncertain significance. Review status: criteria provided, multiple submitters, no conflicts (2 of 4 stars). 4 submissions from 4 submitters: Uncertain significance (4). Last evaluated 2025-09-19.

Conditions:
Cardiovascular phenotype. Identifiers: MedGen CN230736.
Hereditary cancer-predisposing syndrome. Also called: Neoplastic Syndromes, Hereditary; Tumor predisposition; Hereditary neoplastic syndrome; Hereditary Cancer Syndrome. Identifiers: Orphanet 140162, MedGen C0027672, MeSH D009386, MONDO:0015356.
Neurofibromatosis, type 1 (NF1). Also called: VON RECKLINGHAUSEN DISEASE; NEUROFIBROMATOSIS, TYPE I, SOMATIC; Peripheral type neurofibromatosis; Neurofibromatosis, type I. Identifiers: Orphanet 636, MedGen C0027831, MONDO:0018975, OMIM 162200. Disease mechanism: loss of function.

Allele frequency attached by ClinVar (database versions not stated): gnomAD exomes below 0.00001.
gnomAD v4.1: 3 of 1,562,980 alleles (0.00019%); highest among the groups gnomAD compares: Non-Finnish European, 0.00026%; no homozygotes.

Submissions (4):

Ambry Genetics
Classification: Uncertain significance for Cardiovascular phenotype; Hereditary cancer-predisposing syndrome. Last evaluated: 2025-09-19. Review status: criteria provided, single submitter. Criteria: Ambry Variant Classification Scheme 2023. Collection method: clinical testing. Allele origin: germline.
Comment: The p.V172I variant (also known as c.514G>A), located in coding exon 5 of the NF1 gene, results from a G to A substitution at nucleotide position 514. The valine at codon 172 is replaced by isoleucine, an amino acid with highly similar properties. This amino acid position is well conserved in available vertebrate species. In addition, this alteration is predicted to be tolerated by in silico analysis. Based on the available evidence, the clinical significance of this variant remains unclear.

Genome-Nilou Lab
Classification: Uncertain significance for Neurofibromatosis, type 1. Last evaluated: 2022-03-15. Review status: criteria provided, single submitter. Criteria: ACMG Guidelines, 2015. Collection method: clinical testing. Allele origin: germline. Affected: no.

Labcorp Genetics (formerly Invitae), Labcorp
Classification: Uncertain significance for Neurofibromatosis, type 1. Last evaluated: 2021-08-27. Review status: criteria provided, single submitter. Criteria: Invitae Variant Classification Sherloc (09022015). Collection method: clinical testing. Allele origin: germline.
Comment: This sequence change replaces valine with isoleucine at codon 172 of the NF1 protein (p.Val172Ile). The valine residue is moderately conserved and there is a small physicochemical difference between valine and isoleucine. This variant is not present in population databases (ExAC no frequency). This variant has not been reported in the literature in individuals affected with NF1-related conditions. Algorithms developed to predict the effect of missense changes on protein structure and function (SIFT, PolyPhen-2, Align-GVGD) all suggest that this variant is likely to be tolerated. In summary, the available evidence is currently insufficient to determine the role of this variant in disease. Therefore, it has been classified as a Variant of Uncertain Significance.

PreventionGenetics, part of Exact Sciences
Classification: Uncertain significance. Last evaluated: 2017-07-10. Review status: criteria provided, single submitter. Criteria: ACMG Guidelines, 2015. Collection method: clinical testing. Allele origin: germline.